The following is an entry in ClinVar:

NM_001292063.2(OTOG):c.505C>T (p.Arg169Cys)

Gene: OTOG (otogelin; plus strand). Cytogenetic location: 11p15.1.
Variant type: single nucleotide variant.
Coding change: c.505C>T on transcript NM_001292063.2 (MANE Select); coding-DNA position 505, C replaced by T.
Protein change: p.Arg169Cys; replaces arginine 169 with cysteine.
Molecular consequence: missense variant.
Genome position (GRCh38, 1-based): chr11:17,553,484, C>T. VCF-style: chr11-17553484-C-T. GRCh37 (hg19) VCF-style: chr11-17575031-C-T.
Other names: c.541C>T, p.Arg181Cys (NM_001277269.2); short protein forms R181C, R169C.
Identifiers: ClinVar variation 2064991 (VCV002064991.3), dbSNP rs553286919, ClinGen allele CA5905366.

ClinVar aggregate classification (germline): Uncertain significance. Review status: criteria provided, multiple submitters, no conflicts (2 of 4 stars). 2 submissions from 2 submitters: Uncertain significance (2). Last evaluated 2024-04-12.

Allele frequency attached by ClinVar (database versions not stated): gnomAD 0.00016; TOPMed 0.00016; ExAC 0.00018; 1000 Genomes Project 0.00020; 1000 Genomes Project 30x 0.00031.
gnomAD v4.1: 121 of 1,452,074 alleles (0.0083%); highest among the groups gnomAD compares: African/African-American, 0.041%; no homozygotes.

Submissions (2):

Blueprint Genetics
Classification: Uncertain significance. Last evaluated: 2024-04-12. Review status: criteria provided, single submitter. Criteria: ACMG Guidelines, 2015. Collection method: clinical testing. Allele origin: germline.

Labcorp Genetics (formerly Invitae), Labcorp
Classification: Uncertain significance. Last evaluated: 2022-07-11. Review status: criteria provided, single submitter. Criteria: Invitae Variant Classification Sherloc (09022015). Collection method: clinical testing. Allele origin: germline.
Comment: This variant is present in population databases (rs553286919, gnomAD 0.06%). This sequence change replaces arginine, which is basic and polar, with cysteine, which is neutral and slightly polar, at codon 181 of the OTOG protein (p.Arg181Cys). This variant has not been reported in the literature in individuals affected with OTOG-related conditions. In summary, the available evidence is currently insufficient to determine the role of this variant in disease. Therefore, it has been classified as a Variant of Uncertain Significance. Algorithms developed to predict the effect of missense changes on protein structure and function output the following: SIFT: "Tolerated"; PolyPhen-2: "Benign"; Align-GVGD: "Class C0". The cysteine amino acid residue is found in multiple mammalian species, which suggests that this missense change does not adversely affect protein function.